The following is an entry in ClinVar:

NM_001267550.2(TTN):c.86441del (p.Asn28814fs)

Genes: TTN-AS1 (TTN antisense RNA 1; plus strand), TTN (titin; minus strand). Cytogenetic location: 2q31.2.
Variant type: Deletion.
Coding change: c.86441del on transcript NM_001267550.2 (MANE Select); coding-DNA position 86441, one base deleted (A; older notation c.86441delA).
Protein change: p.Asn28814fs; shifts the reading frame from asparagine 28814.
Molecular consequence: frameshift variant.
Genome position (GRCh38, 1-based): chr2:178,559,691, T deleted on the plus strand (A on the coding strand, the reverse complement: TTN is on the minus strand); the first of 4 consecutive T bases (chr2:178,559,691-178,559,694); deleting any one gives the same sequence. VCF-style (leftmost placement, unchanged base first): chr2-178559690-AT-A. GRCh37 (hg19) VCF-style: chr2-179424417-AT-A.
Other names: c.59246delA (NM_003319.4); c.81518del, p.Asn27173fs (NM_001256850.1); c.59246del, p.Asn19749fs (NM_003319.4); c.78737del, p.Asn26246fs (NM_133378.4); c.59621del, p.Asn19874fs (NM_133432.3); c.59822del, p.Asn19941fs (NM_133437.4); short protein forms N28814fs, N19749fs, N19874fs, N26246fs, N27173fs, N19941fs.
Identifiers: ClinVar variation 2933106 (VCV002933106.4), dbSNP rs2469628413, ClinGen allele CA2740096012.

ClinVar aggregate classification (germline): Likely pathogenic. Review status: criteria provided, multiple submitters, no conflicts (2 of 4 stars). 2 submissions from 2 submitters: Likely pathogenic (2). Last evaluated 2024-06-13.

Conditions:
Cardiovascular phenotype. Identifiers: MedGen CN230736.
Autosomal recessive limb-girdle muscular dystrophy type 2J (LGMDR10). Also called: Limb-girdle muscular dystrophy, type 2J; MUSCULAR DYSTROPHY, LIMB-GIRDLE, AUTOSOMAL RECESSIVE 10. Identifiers: Orphanet 140922, MedGen C1837342, MONDO:0012127, OMIM 608807.
Dilated cardiomyopathy 1G (CMD1G). Identifiers: Orphanet 154, MedGen C1858763, MONDO:0011400, OMIM 604145.

Submissions (2):

Ambry Genetics
Classification: Likely pathogenic for Cardiovascular phenotype. Last evaluated: 2024-06-13. Review status: criteria provided, single submitter. Criteria: Ambry Variant Classification Scheme 2023. Collection method: clinical testing. Allele origin: germline.
Comment: The c.59246delA (p.N19749Mfs*12) alteration, located in exon 154 (coding exon 153) of the TTN gene, consists of a deletion of one nucleotide at position 59246, causing a translational frameshift with a predicted alternate stop codon after 12 amino acids. This exon is located in the A-band region of the N2-B isoform of the titin protein and is constitutively expressed in TTN transcripts (percent spliced in or PSI 100%). This variant was not reported in population-based cohorts in the Genome Aggregation Database (gnomAD). Based on the available evidence, this alteration is classified as likely pathogenic.

Labcorp Genetics (formerly Invitae), Labcorp
Classification: Likely pathogenic for Dilated cardiomyopathy 1G; Autosomal recessive limb-girdle muscular dystrophy type 2J. Last evaluated: 2023-12-13. Review status: criteria provided, single submitter. Criteria: Invitae Variant Classification Sherloc (09022015). Collection method: clinical testing. Allele origin: germline.
Comment: This sequence change creates a premature translational stop signal (p.Asn28814Metfs*12) in the TTN gene. While this is not anticipated to result in nonsense mediated decay, it is expected to create a truncated TTN protein. This variant is not present in population databases (gnomAD no frequency). This variant has not been reported in the literature in individuals affected with TTN-related conditions. This variant is located in the A band of TTN (PMID: 25589632). Truncating variants in this region are significantly overrepresented in patients affected with dilated cardiomyopathy (PMID: 25589632). Truncating variants in this region have also been reported in individuals affected with autosomal recessive centronuclear myopathy (PMID: 23975875). In summary, the currently available evidence indicates that the variant is pathogenic, but additional data are needed to prove that conclusively. Therefore, this variant has been classified as Likely Pathogenic.

Literature cited by the submitters: PubMed 25589632 (cited by Labcorp Genetics (formerly Invitae), Labcorp); PubMed 23975875 (cited by Labcorp Genetics (formerly Invitae), Labcorp).